The following is an entry in ClinVar:

ClinVar aggregate classification (germline): Uncertain significance. Review status: criteria provided, multiple submitters, no conflicts (2 of 4 stars). 2 submissions from 2 submitters: Uncertain significance (2). Last evaluated 2026-03-06.

Conditions:
Hereditary cancer-predisposing syndrome. Also called: Neoplastic Syndromes, Hereditary; Hereditary Cancer Syndrome; Hereditary neoplastic syndrome; Tumor predisposition. Identifiers: Orphanet 140162, MedGen C0027672, MeSH D009386, MONDO:0015356.
Neuroblastoma, susceptibility to, 3. Also called: ALK-Related Neuroblastic Tumor Susceptibility. Identifiers: Orphanet 635, MedGen C2751681, MONDO:0013083, OMIM 613014.

Submissions (2):

Ambry Genetics
Classification: Uncertain significance for Hereditary cancer-predisposing syndrome. Last evaluated: 2026-03-06. Review status: criteria provided, single submitter. Criteria: Ambry Variant Classification Scheme 2023. Collection method: clinical testing. Allele origin: germline.
Comment: The p.M580L variant (also known as c.1738A>T), located in coding exon 9 of the ALK gene, results from an A to T substitution at nucleotide position 1738. The methionine at codon 580 is replaced by leucine, an amino acid with highly similar properties. This amino acid position is conserved. In addition, this alteration is predicted to be tolerated by in silico analysis. Based on the available evidence, the clinical significance of this variant remains unclear.

Labcorp Genetics (formerly Invitae), Labcorp
Classification: Uncertain significance for Neuroblastoma, susceptibility to, 3. Last evaluated: 2024-04-08. Review status: criteria provided, single submitter. Criteria: Invitae Variant Classification Sherloc (09022015). Collection method: clinical testing. Allele origin: germline.
Comment: This sequence change replaces methionine, which is neutral and non-polar, with leucine, which is neutral and non-polar, at codon 580 of the ALK protein (p.Met580Leu). This variant is not present in population databases (gnomAD no frequency). This variant has not been reported in the literature in individuals affected with ALK-related conditions. Algorithms developed to predict the effect of missense changes on protein structure and function output the following: SIFT: "Not Available"; PolyPhen-2: "Benign"; Align-GVGD: "Not Available". The leucine amino acid residue is found in multiple mammalian species, which suggests that this missense change does not adversely affect protein function. In summary, the available evidence is currently insufficient to determine the role of this variant in disease. Therefore, it has been classified as a Variant of Uncertain Significance.

NM_004304.5(ALK):c.1738A>T (p.Met580Leu)

Gene: ALK (ALK receptor tyrosine kinase; minus strand). Cytogenetic location: 2p23.2.
Variant type: single nucleotide variant.
Coding change: c.1738A>T on transcript NM_004304.5 (MANE Select); coding-DNA position 1738, A replaced by T.
Protein change: p.Met580Leu; replaces methionine 580 with leucine.
Molecular consequence: missense variant.
Genome position (GRCh38, 1-based): chr2:29,296,967, T>A on the plus strand (A>T on the coding strand, the complement: ALK is on the minus strand). VCF-style: chr2-29296967-T-A. GRCh37 (hg19) VCF-style: chr2-29519833-T-A.
Other names: c.1738A>T (NM_004304.4); short protein forms M580L.
Identifiers: ClinVar variation 3626983 (VCV003626983.3).